The following is an entry in ClinVar:

NM_000077.5(CDKN2A):c.126T>C (p.Asn42=)

Gene: CDKN2A (cyclin dependent kinase inhibitor 2A; minus strand). Cytogenetic location: 9p21.3.
Variant type: single nucleotide variant.
Coding change: c.126T>C on transcript NM_000077.5; coding-DNA position 126, T replaced by C.
Protein change: p.Asn42=; no amino-acid change (asparagine 42 retained).
Molecular consequence: synonymous variant (on NM_000077.6). On other transcripts: intron variant (2).
Genome position (GRCh38, 1-based): chr9:21,974,702, A>G on the plus strand (T>C on the coding strand, the complement: CDKN2A is on the minus strand). VCF-style: chr9-21974702-A-G. GRCh37 (hg19) VCF-style: chr9-21974701-A-G.
Other names: c.126T>C, p.Asn42= (NM_000077.6, NM_001195132.2, NM_058197.5); c.-3-3494T>C (NM_001363763.2); c.194-3494T>C (NM_058195.4).
Identifiers: ClinVar variation 1101776 (VCV001101776.12), dbSNP rs1587339638, ClinGen allele CA464100123.

ClinVar aggregate classification (germline): Benign/Likely benign. Review status: criteria provided, multiple submitters, no conflicts (2 of 4 stars). 3 submissions from 3 submitters: Benign (1); Likely benign (2). Last evaluated 2025-08-14.

Conditions:
Melanoma-pancreatic cancer syndrome. Identifiers: Orphanet 404560, MedGen C1838547, MONDO:0011713, OMIM 606719. Disease mechanism: loss of function.
Familial melanoma. Also called: Hereditary melanoma; Hereditary cutaneous melanoma. Identifiers: Orphanet 618, MedGen C1512419, MONDO:0018961.
Hereditary cancer-predisposing syndrome. Also called: Neoplastic Syndromes, Hereditary; Hereditary Cancer Syndrome; Hereditary neoplastic syndrome; Tumor predisposition. Identifiers: Orphanet 140162, MedGen C0027672, MeSH D009386, MONDO:0015356.

Allele frequency attached by ClinVar (database versions not stated): gnomAD exomes 0.00001.
gnomAD v4.1: 3 of 1,613,472 alleles (0.00019%); highest among the groups gnomAD compares: Non-Finnish European, 0.000085%; no homozygotes.

Submissions (3):

Myriad Genetics, Inc.
Classification: Benign for Melanoma-pancreatic cancer syndrome. Last evaluated: 2025-08-14. Review status: criteria provided, single submitter. Criteria: Myriad Autosomal Dominant, Autosomal Recessive and X-Linked Classification Criteria (2023). Collection method: clinical testing. Allele origin: unknown.
Comment: This variant is considered benign. This variant is a silent/synonymous amino acid change and it is not expected to impact splicing.

Labcorp Genetics (formerly Invitae), Labcorp
Classification: Likely benign for Familial melanoma. Last evaluated: 2023-04-12. Review status: criteria provided, single submitter. Criteria: Invitae Variant Classification Sherloc (09022015). Collection method: clinical testing. Allele origin: germline.

Ambry Genetics
Classification: Likely benign for Hereditary cancer-predisposing syndrome. Last evaluated: 2022-04-24. Review status: criteria provided, single submitter. Criteria: Ambry Variant Classification Scheme 2023. Collection method: clinical testing. Allele origin: germline.